The following is an entry in ClinVar:

NM_004415.4(DSP):c.1241T>A (p.Leu414Gln)

Gene: DSP (desmoplakin; plus strand). Cytogenetic location: 6p24.3.
Variant type: single nucleotide variant.
Coding change: c.1241T>A on transcript NM_004415.4 (MANE Select); coding-DNA position 1241, T replaced by A.
Protein change: p.Leu414Gln; replaces leucine 414 with glutamine.
Molecular consequence: missense variant.
Genome position (GRCh38, 1-based): chr6:7,567,881, T>A. VCF-style: chr6-7567881-T-A. GRCh37 (hg19) VCF-style: chr6-7568114-T-A.
Other names: c.1241T>A, p.Leu414Gln (NM_001008844.3, NM_001319034.2, NM_001406591.1); short protein forms L414Q.
Identifiers: ClinVar variation 3386625 (VCV003386625.1).

ClinVar aggregate classification (germline): Uncertain significance (1 of 4 stars; one submission).

Conditions:
Arrhythmogenic cardiomyopathy with wooly hair and keratoderma. Also called: Carvajal syndrome; PALMOPLANTAR KERATODERMA WITH LEFT VENTRICULAR CARDIOMYOPATHY AND WOOLLY HAIR; Dilated cardiomyopathy with woolly hair and keratoderma; Arrhythmogenic cardiomyopathy with woolly hair and keratoderma. Identifiers: Orphanet 65282, MedGen C1854063, MONDO:0011581, OMIM 605676.

Submission:

All of Us Research Program, National Institutes of Health
Classification: Uncertain significance for Arrhythmogenic cardiomyopathy with wooly hair and keratoderma. Last evaluated: 2024-08-30. Review status: criteria provided, single submitter. Criteria: ACMG Guidelines, 2015. Collection method: clinical testing. Allele origin: germline. Inheritance: Autosomal dominant inheritance. Observed: 1 variant allele, 1 heterozygote.
Comment: This study involves interpretation of variants in research participants for the purpose of population health screening. Participant phenotype was not available at the time of variant classification. Additional details can be found in publication PMID: 35346344, PMCID: PMC8962531